The following is an entry in ClinVar:

ClinVar aggregate classification (germline): Uncertain significance. Review status: reviewed by expert panel (3 of 4 stars). 2 submissions from 2 submitters: Uncertain significance (1). 1 of the submissions does not count toward it. Last evaluated 2025-07-11.

Conditions:
Inborn genetic diseases. Identifiers: MedGen C0950123, MeSH D030342.
Hereditary thrombocytopenia and hematologic cancer predisposition syndrome. Identifiers: Orphanet 71290, MedGen CN281654, MONDO:0011071.

Submissions (2):

ClinGen Myeloid Malignancy Variant Curation Expert Panel
Classification: Uncertain significance for Hereditary thrombocytopenia and hematologic cancer predisposition syndrome. Last evaluated: 2025-07-11. Review status: reviewed by expert panel. Criteria: ClinGen MyeloMalig ACMG Specifications v2. Collection method: curation. Allele origin: germline. Inheritance: Autosomal dominant inheritance.
Comment: NM_001754.5(RUNX1):c.1213C>G (p.Leu405Val) is a missense variant which has a REVEL score < 0.50 (0.323), and a SpliceAI score ≤ 0.20 (0.0) (BP4). This variant is completely absent from all population databases with at least 20x coverage for RUNX1 (PM2_Supporting). In summary, the clinical significance of this variant is uncertain. ACMG/AMP criteria applied, as specified by the Myeloid Malignancy Variant Curation Expert Panel for RUNX1: BP4, PM2_supporting.

Ambry Genetics
Classification: Uncertain significance for Inborn genetic diseases. Last evaluated: 2025-02-22. Review status: criteria provided, single submitter. Criteria: Ambry Variant Classification Scheme 2023. Collection method: clinical testing. Allele origin: germline. Not counted in ClinVar's aggregate classification.
Comment: The p.L405V variant (also known as c.1213C>G), located in coding exon 8 of the RUNX1 gene, results from a C to G substitution at nucleotide position 1213. The leucine at codon 405 is replaced by valine, an amino acid with highly similar properties. This amino acid position is conserved. In addition, this alteration is predicted to be tolerated by in silico analysis. Based on the available evidence, the clinical significance of this variant remains unclear.

NM_001754.5(RUNX1):c.1213C>G (p.Leu405Val)

Gene: RUNX1 (RUNX family transcription factor 1; minus strand). Cytogenetic location: 21q22.12.
Variant type: single nucleotide variant.
Coding change: c.1213C>G on transcript NM_001754.5 (MANE Select); coding-DNA position 1213, C replaced by G.
Protein change: p.Leu405Val; replaces leucine 405 with valine.
Molecular consequence: missense variant.
Genome position (GRCh38, 1-based): chr21:34,792,365, G>C on the plus strand (C>G on the coding strand, the complement: RUNX1 is on the minus strand). VCF-style: chr21-34792365-G-C. GRCh37 (hg19) VCF-style: chr21-36164662-G-C.
Other names: NM_001754.5(RUNX1):c.1213C>G; p.Leu405Val; c.1132C>G, p.Leu378Val (NM_001001890.3); short protein forms L405V, L378V.
Identifiers: ClinVar variation 3791515 (VCV003791515.1).